The following is an entry in ClinVar:

ClinVar aggregate classification (germline): Uncertain significance (1 of 4 stars; one submission).

Submission:

GeneDx
Classification: Uncertain significance. Last evaluated: 2025-03-14. Review status: criteria provided, single submitter. Criteria: GeneDx Variant Classification Process June 2021. Collection method: clinical testing. Allele origin: germline. Affected: yes.
Comment: Not observed at significant frequency in large population cohorts (gnomAD); In silico analysis indicates that this missense variant does not alter protein structure/function; Has not been previously published as pathogenic or benign to our knowledge

NM_002063.4(GLRA2):c.530A>G (p.Lys177Arg)

Gene: GLRA2 (glycine receptor alpha 2; plus strand). Cytogenetic location: Xp22.2.
Variant type: single nucleotide variant.
Coding change: c.530A>G on transcript NM_002063.4 (MANE Select); coding-DNA position 530, A replaced by G.
Protein change: p.Lys177Arg; replaces lysine 177 with arginine.
Molecular consequence: missense variant.
Genome position (GRCh38, 1-based): chrX:14,604,350, A>G. VCF-style: chrX-14604350-A-G. GRCh37 (hg19) VCF-style: chrX-14622472-A-G.
Other names: c.530A>G, p.Lys177Arg (NM_001118885.2, NM_001118886.2); c.263A>G, p.Lys88Arg (NM_001171942.2); short protein forms K177R, K88R.
Identifiers: ClinVar variation 4083345 (VCV004083345.1).